The following is an entry in ClinVar:

NM_015702.3(MMADHC):c.9+14C>T

Genes: MMADHC (metabolism of cobalamin associated D; minus strand), LOC126806368 (MED14-independent group 3 enhancer GRCh37_chr2:150443500-150444699; plus strand). Cytogenetic location: 2q23.2.
Variant type: single nucleotide variant.
Coding change: c.9+14C>T on transcript NM_015702.3 (MANE Select); 14 bases into the intron after coding-DNA position 9, C replaced by T.
Molecular consequence: intron variant.
Genome position (GRCh38, 1-based): chr2:149,587,075, G>A on the plus strand (C>T on the coding strand, the complement: MMADHC is on the minus strand). VCF-style: chr2-149587075-G-A. GRCh37 (hg19) VCF-style: chr2-150443589-G-A.
Identifiers: ClinVar variation 384901 (VCV000384901.10), dbSNP rs140075619, ClinGen allele CA1902524.

ClinVar aggregate classification (germline): Benign/Likely benign. Review status: criteria provided, multiple submitters, no conflicts (2 of 4 stars). 3 submissions from 3 submitters: Benign (1); Likely benign (2). Last evaluated 2025-12-25.

Conditions:
Methylmalonic aciduria and homocystinuria type cblD (MAHCD). Also called: Methylmalonic aciduria with homocystinuria cblD type; METHYLMALONIC ACIDEMIA, cblH TYPE. Identifiers: Orphanet 622, Orphanet 79283, MedGen C1848552, MONDO:0010185, OMIM 277410.

Allele frequency attached by ClinVar (database versions not stated): gnomAD exomes 0.00041; ExAC 0.00057; gnomAD 0.00140; TOPMed 0.00187; ESP Exome Variant Server 0.00192; 1000 Genomes Project 30x 0.00234; 1000 Genomes Project 0.00240.
gnomAD v4.1: 476 of 1,613,280 alleles (0.03%); highest among the groups gnomAD compares: African/African-American, 0.59%; 1 homozygote.

Submissions (3):

Labcorp Genetics (formerly Invitae), Labcorp
Classification: Benign for Methylmalonic aciduria and homocystinuria type cblD. Last evaluated: 2025-12-25. Review status: criteria provided, single submitter. Criteria: Invitae Variant Classification Sherloc (09022015). Collection method: clinical testing. Allele origin: germline.

Blueprint Genetics
Classification: Likely benign. Last evaluated: 2024-01-11. Review status: criteria provided, single submitter. Criteria: ACMG Guidelines, 2015. Collection method: clinical testing. Allele origin: germline.

GeneDx
Classification: Likely benign. Last evaluated: 2016-11-03. Review status: criteria provided, single submitter. Criteria: GeneDx Variant Classification (06012015). Collection method: clinical testing. Allele origin: germline. Affected: yes.
Comment: This variant is considered likely benign or benign based on one or more of the following criteria: it is a conservative change, it occurs at a poorly conserved position in the protein, it is predicted to be benign by multiple in silico algorithms, and/or has population frequency not consistent with disease.